The following is an entry in ClinVar:

NM_017934.7(PHIP):c.66C>T (p.Phe22=)

Gene: PHIP (PHIP subunit of CUL4-Ring ligase complex; minus strand). Cytogenetic location: 6q14.1.
Variant type: single nucleotide variant.
Coding change: c.66C>T on transcript NM_017934.7 (MANE Select); coding-DNA position 66, C replaced by T.
Protein change: p.Phe22=; no amino-acid change (phenylalanine 22 retained).
Molecular consequence: synonymous variant.
Genome position (GRCh38, 1-based): chr6:79,077,888, G>A on the plus strand (C>T on the coding strand, the complement: PHIP is on the minus strand). VCF-style: chr6-79077888-G-A. GRCh37 (hg19) VCF-style: chr6-79787605-G-A.
Other names: c.66C>T (NM_017934.6).
Identifiers: ClinVar variation 2160817 (VCV002160817.6), dbSNP rs1420150080, ClinGen allele CA451046025.

ClinVar aggregate classification (germline): Likely benign. Review status: criteria provided, single submitter (1 of 4 stars). 2 submissions from 2 submitters: Likely benign (1). 1 of the submissions does not count toward it. Last evaluated 2023-11-12.

Conditions:
PHIP-related disorder. Also called: PHIP-related condition; PHIP-related disorders.

Allele frequency attached by ClinVar (database versions not stated): gnomAD 0.00001; gnomAD exomes 0.00001.
gnomAD v4.1: 5 of 1,588,966 alleles (0.00031%); highest among the groups gnomAD compares: Admixed American, 0.0052%; no homozygotes.

Submissions (2):

Labcorp Genetics (formerly Invitae), Labcorp
Classification: Likely benign. Last evaluated: 2023-11-12. Review status: criteria provided, single submitter. Criteria: Invitae Variant Classification Sherloc (09022015). Collection method: clinical testing. Allele origin: germline.

PreventionGenetics, part of Exact Sciences
Classification: Likely benign for PHIP-related condition. Last evaluated: 2023-10-25. Review status: no assertion criteria provided. Collection method: clinical testing. Allele origin: germline. Not counted in ClinVar's aggregate classification.
Comment: This variant is classified as likely benign based on ACMG/AMP sequence variant interpretation guidelines (Richards et al. 2015 PMID: 25741868, with internal and published modifications).